The following is an entry in ClinVar:

ClinVar aggregate classification (germline): Pathogenic (1 of 4 stars; one submission).

Conditions:
Breast-ovarian cancer, familial, susceptibility to, 2 (BROVCA2). Also called: BRCA2 Hereditary Breast and Ovarian Cancer. Identifiers: Orphanet 145, MedGen C2675520, MONDO:0012933, OMIM 612555. Disease mechanism: loss of function.

Submission:

Myriad Genetics, Inc.
Classification: Pathogenic for Breast-ovarian cancer, familial, susceptibility to, 2. Last evaluated: 2023-07-11. Review status: criteria provided, single submitter. Criteria: Myriad Autosomal Dominant, Autosomal Recessive and X-Linked Classification Criteria (2023). Collection method: clinical testing. Allele origin: unknown.
Comment: This variant is considered pathogenic. This variant creates a frameshift predicted to result in premature protein truncation.

NM_000059.4(BRCA2):c.4817del (p.Ser1606fs)

Gene: BRCA2 (BRCA2 DNA repair associated; plus strand). Cytogenetic location: 13q13.1.
Variant type: Deletion.
Coding change: c.4817del on transcript NM_000059.4 (MANE Select); coding-DNA position 4817, one base deleted (C; older notation c.4817delC).
Protein change: p.Ser1606fs; shifts the reading frame from serine 1606.
Molecular consequence: frameshift variant. On other transcripts: non-coding transcript variant (1), intron variant (2).
Genome position (GRCh38, 1-based): chr13:32,339,172, C deleted. VCF-style (leftmost placement, unchanged base first): chr13-32339171-TC-T. GRCh37 (hg19) VCF-style: chr13-32913308-TC-T.
Other names: c.4817del, p.Ser1606fs (NM_001406719.1, NM_001406720.1); c.1910-5386del (NM_001406721.1); c.425-5386del (NM_001406722.1); short protein forms S1606fs.
Identifiers: ClinVar variation 2674503 (VCV002674503.1), dbSNP rs2548529381, ClinGen allele CA2695199687.